The following is an entry in ClinVar:

NM_000407.5(GP1BB):c.466dup (p.Ala156fs)

Genes: GP1BB (glycoprotein Ib platelet subunit beta; plus strand), SEPT5-GP1BB (SEPT5-GP1BB readthrough; plus strand). Cytogenetic location: 22q11.21.
Variant type: Duplication.
Coding change: c.466dup on transcript NM_000407.5 (MANE Select); coding-DNA position 466, one base duplicated (G; older notation c.466dupG).
Protein change: p.Ala156fs; shifts the reading frame from alanine 156.
Molecular consequence: frameshift variant. On other transcripts: non-coding transcript variant (2).
Genome position (GRCh38, 1-based): chr22:19,724,309, G duplicated. VCF-style (leftmost placement, unchanged base first): chr22-19724308-T-TG. GRCh37 (hg19) VCF-style: chr22-19711831-T-TG.
Other names: NM_000407.5:c.466dup; short protein forms A156fs.
Identifiers: ClinVar variation 4849250 (VCV004849250.1).

ClinVar aggregate classification (germline): Likely pathogenic (3 of 4 stars; one submission).

Conditions:
Bernard Soulier syndrome (BSS). Also called: BLEEDING DISORDER, PLATELET-TYPE, 1; PLATELET GLYCOPROTEIN Ib DEFICIENCY; VON WILLEBRAND FACTOR RECEPTOR DEFICIENCY; Platelet Glycoprotein 1b, Deficiency of; Giant platelet syndrome; Hemorrhagiparous thrombocytic dystrophy. Identifiers: Orphanet 274, MedGen C0005129, MeSH D001606, MONDO:0009276, OMIM 231200.

Submission:

ClinGen Platelet Disorders Variant Curation Expert Panel, ClinGen
Classification: Likely pathogenic for Bernard Soulier syndrome. Last evaluated: 2026-01-20. Review status: reviewed by expert panel. Criteria: ClinGen Platelet ACMG Specifications GP1BB V1.0.0. Collection method: curation. Allele origin: germline. Inheritance: Autosomal recessive inheritance.
Comment: The c.466dup (p.Ala156GlyfsTer153) variant in GP1BB is a frameshift variant that may cause a premature stop codon that is predicted to escape nonsense mediated decay, however the truncation includes the functionally important transmembrane domain in a gene where loss-of-function is an established disease mechanism (PVS1_Strong). At least one patient (Patient 1 in PMID: 16409472) with this variant had aggregation absent for ristocetin and present for all other agonists as well as less than 10% expression of GPIba, GP1bb, and GP9 measured by flow cytometry, which is highly specific for Bernard-Soulier syndrome. Additionally, the patient had excessive mucocutaneous bleeding and macrothrombocytopenia which are consistent with Bernard-Soulier syndrome (PP4). Surface expression of GP1b, and GP9 measured by flow cytometry in CHO cells transiently co-transfected with the NM_000407.5(GP1BB):c.466dup (p.Ala156GlyfsTer?) variant GP1b and wild type GP1a and GP9 showed decreased expression at 10% WT levels, indicating that this variant impacts protein function (PMID:16409472, PS3_supporting). This variant is absent from gnomAD v4.1.0 (PM2_Supporting). In summary, this variant meets the criteria to be classified as Likely Pathogenic for autosomal recessive Bernard-Soulier syndrome based on the ACMG/AMP criteria applied, as specified by the ClinGen PD VCEP: PVS1_Strong, PP4, PM3_Supporting, PS3_Supporting and PM2_Supporting VCEP specifications version 1).

Literature cited by the submitters: PubMed 16409472.